The following is an entry in ClinVar:

NM_003673.4(TCAP):c.25G>A (p.Glu9Lys)

Gene: TCAP (titin-cap; plus strand). Cytogenetic location: 17q12.
Variant type: single nucleotide variant.
Coding change: c.25G>A on transcript NM_003673.4 (MANE Select); coding-DNA position 25, G replaced by A.
Protein change: p.Glu9Lys; replaces glutamic acid 9 with lysine.
Molecular consequence: missense variant.
Genome position (GRCh38, 1-based): chr17:39,665,384, G>A. VCF-style: chr17-39665384-G-A. GRCh37 (hg19) VCF-style: chr17-37821637-G-A.
Other names: short protein forms E9K.
Identifiers: ClinVar variation 4784881 (VCV004784881.1).

ClinVar aggregate classification (germline): Uncertain significance (1 of 4 stars; one submission).

Conditions:
Hypertrophic cardiomyopathy 25 (CMH25). Also called: CARDIOMYOPATHY, FAMILIAL HYPERTROPHIC, 25. Identifiers: MedGen C4225408, MONDO:0011843, OMIM 607487.
Primary familial hypertrophic cardiomyopathy (HCM). Identifiers: Orphanet 99739, MedGen C0949658, MeSH D024741, MONDO:0024573. Inheritance: Various modes of inheritance.

Submission:

Labcorp Genetics (formerly Invitae), Labcorp
Classification: Uncertain significance for Hypertrophic cardiomyopathy 25; Primary familial hypertrophic cardiomyopathy. Last evaluated: 2026-01-08. Review status: criteria provided, single submitter. Criteria: Invitae Variant Classification Sherloc (09022015). Collection method: clinical testing. Allele origin: germline.
Comment: This sequence change replaces glutamic acid, which is acidic and polar, with lysine, which is basic and polar, at codon 9 of the TCAP protein (p.Glu9Lys). This variant is present in population databases (no rsID available, gnomAD 0.003%). This variant has not been reported in the literature in individuals affected with TCAP-related conditions. An algorithm developed to predict the effect of missense changes on protein structure and function (PolyPhen-2) suggests that this variant is likely to be tolerated. In summary, the available evidence is currently insufficient to determine the role of this variant in disease. Therefore, it has been classified as a Variant of Uncertain Significance.